The following is an entry in ClinVar:

NM_014141.6(CNTNAP2):c.532G>A (p.Val178Ile)

Gene: CNTNAP2 (contactin associated protein 2; plus strand). Cytogenetic location: 7q35.
Variant type: single nucleotide variant.
Coding change: c.532G>A on transcript NM_014141.6 (MANE Select); coding-DNA position 532, G replaced by A.
Protein change: p.Val178Ile; replaces valine 178 with isoleucine.
Molecular consequence: missense variant.
Genome position (GRCh38, 1-based): chr7:147,044,036, G>A. VCF-style: chr7-147044036-G-A. GRCh37 (hg19) VCF-style: chr7-146741128-G-A.
Other names: c.532G>A (NM_014141.5); short protein forms V178I.
Identifiers: ClinVar variation 1465869 (VCV001465869.7), dbSNP rs2129255381, ClinGen allele CA369923653.

ClinVar aggregate classification (germline): Uncertain significance. Review status: criteria provided, multiple submitters, no conflicts (2 of 4 stars). 2 submissions from 2 submitters: Uncertain significance (2). Last evaluated 2025-01-18.

Conditions:
Inborn genetic diseases. Identifiers: MedGen C0950123, MeSH D030342.
Cortical dysplasia-focal epilepsy syndrome (PTHSL1). Also called: Pitt-Hopkins-like syndrome 1. Identifiers: Orphanet 163681, Orphanet 221150, MedGen C2750246, MONDO:0012400, OMIM 610042.

Submissions (2):

Ambry Genetics
Classification: Uncertain significance for Inborn genetic diseases. Last evaluated: 2025-01-18. Review status: criteria provided, single submitter. Criteria: Ambry Variant Classification Scheme 2023. Collection method: clinical testing. Allele origin: germline.

Labcorp Genetics (formerly Invitae), Labcorp
Classification: Uncertain significance for Cortical dysplasia-focal epilepsy syndrome. Last evaluated: 2021-08-11. Review status: criteria provided, single submitter. Criteria: Invitae Variant Classification Sherloc (09022015). Collection method: clinical testing. Allele origin: germline.
Comment: This sequence change replaces valine with isoleucine at codon 178 of the CNTNAP2 protein (p.Val178Ile). The valine residue is weakly conserved and there is a small physicochemical difference between valine and isoleucine. This variant is not present in population databases (ExAC no frequency). This variant has not been reported in the literature in individuals affected with CNTNAP2-related conditions. Algorithms developed to predict the effect of missense changes on protein structure and function output the following: SIFT: "Tolerated"; PolyPhen-2: "Benign"; Align-GVGD: "Class C0". The isoleucine amino acid residue is found in multiple mammalian species, which suggests that this missense change does not adversely affect protein function. In summary, the available evidence is currently insufficient to determine the role of this variant in disease. Therefore, it has been classified as a Variant of Uncertain Significance.